The following is an entry in ClinVar:

ClinVar aggregate classification (germline): Likely benign. Review status: criteria provided, single submitter (1 of 4 stars). 2 submissions from 2 submitters: Likely benign (1). 1 of the submissions does not count toward it. Last evaluated 2023-12-29.

Conditions:
GRN-related frontotemporal lobar degeneration with Tdp43 inclusions (FTD2). Also called: FRONTOTEMPORAL DEMENTIA WITH TDP43 INCLUSIONS, GRN-RELATED; GRN Frontotemporal Dementia; DEMENTIA, HEREDITARY DYSPHASIC DISINHIBITION; FRONTOTEMPORAL LOBAR DEGENERATION WITH UBIQUITIN-POSITIVE INCLUSIONS; FTLD-TDP, GRN-RELATED. Identifiers: Orphanet 100070, Orphanet 282, MedGen C1843792, MONDO:0011842, OMIM 607485. Disease mechanism: loss of function.
Neuronal ceroid lipofuscinosis 11. Also called: GRN-Related Neuronal Ceroid-Lipofuscinosis. Identifiers: Orphanet 314629, Orphanet 79262, MedGen C3539123, MONDO:0013866, OMIM 614706.
GRN-related disorder. Also called: GRN-related condition; GRN-related disorders.

Allele frequency attached by ClinVar (database versions not stated): gnomAD 0.00001; gnomAD exomes 0.00001 and 0.00003; ExAC 0.00002; TOPMed 0.00005; ESP Exome Variant Server 0.00016.

Submissions (2):

Labcorp Genetics (formerly Invitae), Labcorp
Classification: Likely benign for Neuronal ceroid lipofuscinosis 11; GRN-related frontotemporal lobar degeneration with Tdp43 inclusions. Last evaluated: 2023-12-29. Review status: criteria provided, single submitter. Criteria: Invitae Variant Classification Sherloc (09022015). Collection method: clinical testing. Allele origin: germline.

PreventionGenetics, part of Exact Sciences
Classification: Likely benign for GRN-related condition. Last evaluated: 2019-02-22. Review status: no assertion criteria provided. Collection method: clinical testing. Allele origin: germline. Not counted in ClinVar's aggregate classification.
Comment: This variant is classified as likely benign based on ACMG/AMP sequence variant interpretation guidelines (Richards et al. 2015 PMID: 25741868, with internal and published modifications).

NM_002087.4(GRN):c.933+7del

Gene: GRN (granulin precursor; plus strand). Cytogenetic location: 17q21.31.
Variant type: Deletion.
Coding change: c.933+7del on transcript NM_002087.4 (MANE Select); 7 bases into the intron after coding-DNA position 933, one base deleted (A; older notation c.933+7delA).
Molecular consequence: intron variant.
Genome position (GRCh38, 1-based): chr17:44,351,467, A deleted. VCF-style (leftmost placement, unchanged base first): chr17-44351466-CA-C. GRCh37 (hg19) VCF-style: chr17-42428834-CA-C.
Other names: c.933+7delA (NM_002087.3).
Identifiers: ClinVar variation 473065 (VCV000473065.11), dbSNP rs762910178, ClinGen allele CA8602062.